The following is an entry in ClinVar:

ClinVar aggregate classification (germline): Likely pathogenic (1 of 4 stars; one submission).

Conditions:
Finnish congenital nephrotic syndrome (NPHS1). Also called: NEPHROTIC SYNDROME, TYPE 1. Identifiers: Orphanet 839, MedGen C0403399, MONDO:0009732, OMIM 256300.

Submission:

Fulgent Genetics
Classification: Likely pathogenic for Finnish congenital nephrotic syndrome. Last evaluated: 2021-06-30. Review status: criteria provided, single submitter. Criteria: ACMG Guidelines, 2015. Collection method: clinical testing. Allele origin: unknown.
Comment: This variant has been detected in individual(s) who were sent for testing of Renasight - kidney gene panel.

NM_004646.4(NPHS1):c.2927+2T>A

Gene: NPHS1 (NPHS1 adhesion molecule, nephrin; minus strand). Cytogenetic location: 19q13.12.
Variant type: single nucleotide variant.
Coding change: c.2927+2T>A on transcript NM_004646.4 (MANE Select); the canonical splice donor site of the intron after coding-DNA position 2927, T replaced by A.
Molecular consequence: splice donor variant.
Genome position (GRCh38, 1-based): chr19:35,839,494, A>T on the plus strand (T>A on the coding strand, the complement: NPHS1 is on the minus strand). VCF-style: chr19-35839494-A-T. GRCh37 (hg19) VCF-style: chr19-36330396-A-T.
Identifiers: ClinVar variation 1179047 (VCV001179047.2), dbSNP rs1973023048, ClinGen allele CA405385657.